The following is an entry in ClinVar:

NM_032121.5(MAGT1):c.3G>C (p.Met1Ile)

Gene: MAGT1 (magnesium transporter 1; minus strand). Cytogenetic location: Xq21.1.
Variant type: single nucleotide variant.
Coding change: c.3G>C on transcript NM_032121.5; coding-DNA position 3, G replaced by C.
Protein change: p.Met1Ile; changes the start codon (methionine 1).
Molecular consequence: missense variant, initiator codon variant.
Genome position (GRCh38, 1-based): chrX:77,895,504, C>G on the plus strand (G>C on the coding strand, the complement: MAGT1 is on the minus strand). VCF-style: chrX-77895504-C-G. GRCh37 (hg19) VCF-style: chrX-77151001-C-G.
Other names: short protein forms M1I.
Identifiers: ClinVar variation 1357896 (VCV001357896.9), dbSNP rs185325713, ClinGen allele CA413714626.

ClinVar aggregate classification (germline): Uncertain significance (1 of 4 stars; one submission).

Conditions:
X-linked immunodeficiency with magnesium defect, Epstein-Barr virus infection and neoplasia. Identifiers: Orphanet 317476, MedGen C3275445, MONDO:0010455, OMIM 300853.

gnomAD v4.1: 4 of 1,169,623 alleles (0.00034%); highest among the groups gnomAD compares: Non-Finnish European, 0.00034%; no homozygotes.

Submission:

Labcorp Genetics (formerly Invitae), Labcorp
Classification: Uncertain significance for X-linked immunodeficiency with magnesium defect, Epstein-Barr virus infection and neoplasia. Last evaluated: 2020-12-20. Review status: criteria provided, single submitter. Criteria: Invitae Variant Classification Sherloc (09022015). Collection method: clinical testing. Allele origin: germline.
Comment: In summary, the available evidence is currently insufficient to determine the role of this variant in disease. Therefore, it has been classified as a Variant of Uncertain Significance. This variant has not been reported in the literature in individuals with MAGT1-related conditions. This variant is not present in population databases (ExAC no frequency). This sequence change affects the initiator methionine of the MAGT1 mRNA. The next in-frame methionine is located at codon 33.